The following is an entry in ClinVar:

NM_000038.6(APC):c.3210T>C (p.Asn1070=)

Gene: APC (APC regulator of Wnt signaling pathway; plus strand). Cytogenetic location: 5q22.2.
Variant type: single nucleotide variant.
Coding change: c.3210T>C on transcript NM_000038.6 (MANE Select); coding-DNA position 3210, T replaced by C.
Protein change: p.Asn1070=; no amino-acid change (asparagine 1070 retained).
Molecular consequence: synonymous variant.
Genome position (GRCh38, 1-based): chr5:112,838,804, T>C. VCF-style: chr5-112838804-T-C. GRCh37 (hg19) VCF-style: chr5-112174501-T-C.
Other names: c.3210T>C, p.Asn1070= (NM_001127510.3, NM_001354895.2); c.3156T>C, p.Asn1052= (NM_001127511.3); c.3264T>C, p.Asn1088= (NM_001354896.2); c.3240T>C, p.Asn1080= (NM_001354897.2); c.3135T>C, p.Asn1045= (NM_001354898.2); c.3126T>C, p.Asn1042= (NM_001354899.2); c.3087T>C, p.Asn1029= (NM_001354900.2); c.3033T>C, p.Asn1011= (NM_001354901.2); and 5 more.
Identifiers: ClinVar variation 350411 (VCV000350411.18), dbSNP rs886059794, ClinGen allele CA10622257.

ClinVar aggregate classification (germline): Conflicting classifications of pathogenicity. Review status: criteria provided, conflicting classifications (1 of 4 stars). 5 submissions from 5 submitters: Uncertain significance (1); Benign (1); Likely benign (3). Last evaluated 2024-03-18.

Conditions:
Familial adenomatous polyposis 1 (FAP1). Also called: POLYPOSIS, ADENOMATOUS INTESTINAL; FAMILIAL ADENOMATOUS POLYPOSIS 1, ATTENUATED. Identifiers: MedGen C2713442, MONDO:0021056, OMIM 175100. Disease mechanism: loss of function.
Classic or attenuated familial adenomatous polyposis. Identifiers: MedGen CN372698, MONDO:0021057.
APC-Associated Polyposis Disorders.
Hereditary cancer-predisposing syndrome. Also called: Neoplastic Syndromes, Hereditary; Tumor predisposition; Hereditary neoplastic syndrome; Hereditary Cancer Syndrome. Identifiers: Orphanet 140162, MedGen C0027672, MeSH D009386, MONDO:0015356.

Submissions (5):

Myriad Genetics, Inc.
Classification: Benign for Familial adenomatous polyposis 1. Last evaluated: 2024-03-18. Review status: criteria provided, single submitter. Criteria: Myriad Autosomal Dominant, Autosomal Recessive and X-Linked Classification Criteria (2023). Collection method: clinical testing. Allele origin: unknown.
Comment: This variant is considered benign. This variant is a silent/synonymous amino acid change and it is not expected to impact splicing.

All of Us Research Program, National Institutes of Health
Classification: Likely benign for Classic or attenuated familial adenomatous polyposis. Last evaluated: 2023-11-20. Review status: criteria provided, single submitter. Criteria: ACMG Guidelines, 2015. Collection method: clinical testing. Allele origin: germline. Inheritance: Autosomal dominant inheritance. Observed: 1 variant allele, 1 heterozygote.
Comment: This study involves interpretation of variants in research participants for the purpose of population health screening. Participant phenotype was not available at the time of variant classification. Additional details can be found in publication PMID: 35346344, PMCID: PMC8962531

Labcorp Genetics (formerly Invitae), Labcorp
Classification: Likely benign for Familial adenomatous polyposis 1. Last evaluated: 2022-09-19. Review status: criteria provided, single submitter. Criteria: Invitae Variant Classification Sherloc (09022015). Collection method: clinical testing. Allele origin: germline.

Ambry Genetics
Classification: Likely benign for Hereditary cancer-predisposing syndrome. Last evaluated: 2019-06-01. Review status: criteria provided, single submitter. Criteria: Ambry Variant Classification Scheme 2023. Collection method: clinical testing. Allele origin: germline.

Illumina Laboratory Services, Illumina
Classification: Uncertain significance for APC-Associated Polyposis Disorders. Last evaluated: 2018-01-13. Review status: criteria provided, single submitter. Criteria: ICSL Variant Classification Criteria 13 December 2019. Collection method: clinical testing. Allele origin: germline.